The following is an entry in ClinVar:

ClinVar aggregate classification (germline): Uncertain significance. Review status: criteria provided, multiple submitters, no conflicts (2 of 4 stars). 3 submissions from 3 submitters: Uncertain significance (3). Last evaluated 2025-06-01.

Conditions:
Hermansky-Pudlak syndrome 2 (HPS2). Also called: Platelet defects and oculocutaneous albinism. Identifiers: Orphanet 183678, Orphanet 79430, MedGen C1842362, MONDO:0011997, OMIM 608233.

Allele frequency attached by ClinVar (database versions not stated): gnomAD 0.00002 and 0.00003; gnomAD exomes 0.00003 and 0.00009; TOPMed 0.00007; ExAC 0.00010.

Submissions (3):

CeGaT Center for Human Genetics Tuebingen
Classification: Uncertain significance. Last evaluated: 2025-06-01. Review status: criteria provided, single submitter. Criteria: CeGaT Center For Human Genetics Tuebingen Variant Classification Criteria Version 2. Collection method: clinical testing. Allele origin: germline. Affected: yes. Observed: 1 variant allele.
Comment: AP3B1: PM2

GeneDx
Classification: Uncertain significance. Last evaluated: 2023-11-15. Review status: criteria provided, single submitter. Criteria: GeneDx Variant Classification Process June 2021. Collection method: clinical testing. Allele origin: germline. Affected: yes.
Comment: In silico analysis supports that this missense variant has a deleterious effect on protein structure/function; Has not been previously published as pathogenic or benign to our knowledge

Labcorp Genetics (formerly Invitae), Labcorp
Classification: Uncertain significance for Hermansky-Pudlak syndrome 2. Last evaluated: 2022-09-27. Review status: criteria provided, single submitter. Criteria: Invitae Variant Classification Sherloc (09022015). Collection method: clinical testing. Allele origin: germline.
Comment: This sequence change replaces arginine, which is basic and polar, with cysteine, which is neutral and slightly polar, at codon 227 of the AP3B1 protein (p.Arg227Cys). This variant is present in population databases (rs748972774, gnomAD 0.04%). This variant has not been reported in the literature in individuals affected with AP3B1-related conditions. ClinVar contains an entry for this variant (Variation ID: 842009). Algorithms developed to predict the effect of missense changes on protein structure and function are either unavailable or do not agree on the potential impact of this missense change (SIFT: "Deleterious"; PolyPhen-2: "Probably Damaging"; Align-GVGD: "Class C0"). In summary, the available evidence is currently insufficient to determine the role of this variant in disease. Therefore, it has been classified as a Variant of Uncertain Significance.

NM_003664.5(AP3B1):c.679C>T (p.Arg227Cys)

Gene: AP3B1 (adaptor related protein complex 3 subunit beta 1; minus strand). Cytogenetic location: 5q14.1.
Variant type: single nucleotide variant.
Coding change: c.679C>T on transcript NM_003664.5 (MANE Select); coding-DNA position 679, C replaced by T.
Protein change: p.Arg227Cys; replaces arginine 227 with cysteine.
Molecular consequence: missense variant.
Genome position (GRCh38, 1-based): chr5:78,216,162, G>A on the plus strand (C>T on the coding strand, the complement: AP3B1 is on the minus strand). VCF-style: chr5-78216162-G-A. GRCh37 (hg19) VCF-style: chr5-77511986-G-A.
Other names: c.532C>T, p.Arg178Cys (NM_001271769.2); c.679C>T (NM_003664.3); short protein forms R227C, R178C.
Identifiers: ClinVar variation 842009 (VCV000842009.16), dbSNP rs748972774, ClinGen allele CA3317309.